The following is an entry in ClinVar:

ClinVar aggregate classification (germline): Uncertain significance (1 of 4 stars; one submission).

Conditions:
Inborn genetic diseases. Identifiers: MedGen C0950123, MeSH D030342.

Submission:

Ambry Genetics
Classification: Uncertain significance for Inborn genetic diseases. Last evaluated: 2024-12-08. Review status: criteria provided, single submitter. Criteria: Ambry Variant Classification Scheme 2023. Collection method: clinical testing. Allele origin: germline.
Comment: The p.L875W variant (also known as c.2624T>G), located in coding exon 28 of the FANCA gene, results from a T to G substitution at nucleotide position 2624. The leucine at codon 875 is replaced by tryptophan, an amino acid with similar properties. This amino acid position is conserved. In addition, the in silico prediction for this alteration is inconclusive. Based on the available evidence, the clinical significance of this variant remains unclear.

NM_000135.4(FANCA):c.2624T>G (p.Leu875Trp)

Genes: FANCA (FA complementation group A; minus strand), LOC130059837 (ATAC-STARR-seq lymphoblastoid active region 11420; plus strand). Cytogenetic location: 16q24.3.
Variant type: single nucleotide variant.
Coding change: c.2624T>G on transcript NM_000135.4 (MANE Select); coding-DNA position 2624, T replaced by G.
Protein change: p.Leu875Trp; replaces leucine 875 with tryptophan.
Molecular consequence: missense variant.
Genome position (GRCh38, 1-based): chr16:89,765,044, A>C on the plus strand (T>G on the coding strand, the complement: FANCA is on the minus strand). VCF-style: chr16-89765044-A-C. GRCh37 (hg19) VCF-style: chr16-89831452-A-C.
Other names: c.2624T>G, p.Leu875Trp (NM_001286167.3); short protein forms L875W.
Identifiers: ClinVar variation 3512720 (VCV003512720.1).
Genomic context (GRCh38, chr16:89,765,044, plus strand): 5'-GGTCTCCAGGAAAGGCTGGCTACGTCCTCCTCAGAAAGAGGCTGTCGGGCCTCTGAGAAC[A>C]ATCTGAACATGAGGAACTGAAACTGAAACAGAGAGTGACCCGGCCGTTTCTTCATTGCGC-3'
Protein context (NP_000126.2, residues 865-885): IKKFQFLMFR[Leu875Trp]FSEARQPLSE